The following is an entry in ClinVar:

ClinVar aggregate classification (germline): Likely pathogenic (1 of 4 stars; one submission).

Allele frequency attached by ClinVar (database versions not stated): gnomAD exomes below 0.00001.

Submission:

Labcorp Genetics (formerly Invitae), Labcorp
Classification: Likely pathogenic. Last evaluated: 2022-09-10. Review status: criteria provided, single submitter. Criteria: Invitae Variant Classification Sherloc (09022015). Collection method: clinical testing. Allele origin: germline.
Comment: Disruption of this splice site has been observed in individual(s) with clinical features of Stickler syndrome (Invitae). Algorithms developed to predict the effect of sequence changes on RNA splicing suggest that this variant may disrupt the consensus splice site. In summary, the currently available evidence indicates that the variant is pathogenic, but additional data are needed to prove that conclusively. Therefore, this variant has been classified as Likely Pathogenic. This variant is not present in population databases (gnomAD no frequency). This sequence change affects a splice site in intron 55 of the COL11A1 gene. It is expected to disrupt RNA splicing. Variants that disrupt the donor or acceptor splice site typically lead to a loss of protein function (PMID: 16199547), and loss-of-function variants in COL11A1 are known to be pathogenic (PMID: 20513134, 21035103, 23922384, 25240749, 32427345, 32756486).

Literature cited by the submitters: PubMed 16199547; PubMed 20513134; PubMed 21035103; PubMed 23922384; PubMed 25240749; PubMed 32427345; PubMed 32756486.

NM_001854.4(COL11A1):c.4141-2del

Gene: COL11A1 (collagen type XI alpha 1 chain; minus strand). Cytogenetic location: 1p21.1.
Variant type: Deletion.
Coding change: c.4141-2del on transcript NM_001854.4 (MANE Select); the canonical splice acceptor site of the intron before coding-DNA position 4141, one base deleted (A; older notation c.4141-2delA).
Molecular consequence: splice acceptor variant.
Genome position (GRCh38, 1-based): chr1:102,898,775, T deleted on the plus strand (A on the coding strand, the reverse complement: COL11A1 is on the minus strand). VCF-style (leftmost placement, unchanged base first): chr1-102898774-CT-C. GRCh37 (hg19) VCF-style: chr1-103364330-CT-C.
Other names: c.4024-2del (NM_001190709.2); c.4177-2del (NM_080629.3); c.3793-2del (NM_080630.4).
Identifiers: ClinVar variation 2007017 (VCV002007017.4), dbSNP rs2524335869, ClinGen allele CA2580060706.